The following is an entry in ClinVar:

ClinVar aggregate classification (germline): Uncertain significance (1 of 4 stars; one submission).

gnomAD v4.1: 1 of 1,614,154 alleles (0.000062%); highest among the groups gnomAD compares: Non-Finnish European, 0.000085%; no homozygotes.

Submission:

Labcorp Genetics (formerly Invitae), Labcorp
Classification: Uncertain significance. Last evaluated: 2024-03-04. Review status: criteria provided, single submitter. Criteria: Invitae Variant Classification Sherloc (09022015). Collection method: clinical testing. Allele origin: germline.
Comment: This sequence change replaces threonine, which is neutral and polar, with proline, which is neutral and non-polar, at codon 1120 of the KMT2E protein (p.Thr1120Pro). This variant is not present in population databases (gnomAD no frequency). This variant has not been reported in the literature in individuals affected with KMT2E-related conditions. ClinVar contains an entry for this variant (Variation ID: 2189165). Advanced modeling of protein sequence and biophysical properties (such as structural, functional, and spatial information, amino acid conservation, physicochemical variation, residue mobility, and thermodynamic stability) performed at Invitae indicates that this missense variant is not expected to disrupt KMT2E protein function with a negative predictive value of 80%. In summary, the available evidence is currently insufficient to determine the role of this variant in disease. Therefore, it has been classified as a Variant of Uncertain Significance.

NM_182931.3(KMT2E):c.3358A>C (p.Thr1120Pro)

Gene: KMT2E (lysine methyltransferase 2E (inactive); plus strand). Cytogenetic location: 7q22.3.
Variant type: single nucleotide variant.
Coding change: c.3358A>C on transcript NM_182931.3 (MANE Select); coding-DNA position 3358, A replaced by C.
Protein change: p.Thr1120Pro; replaces threonine 1120 with proline.
Molecular consequence: missense variant.
Genome position (GRCh38, 1-based): chr7:105,107,815, A>C. VCF-style: chr7-105107815-A-C. GRCh37 (hg19) VCF-style: chr7-104748262-A-C.
Other names: c.3358A>C, p.Thr1120Pro (NM_001410908.1, NM_018682.4); short protein forms T1120P.
Identifiers: ClinVar variation 2189165 (VCV002189165.4), dbSNP rs1205531349, ClinGen allele CA368789202.